The following is an entry in ClinVar:

NM_001845.6(COL4A1):c.2153_2154dup (p.Asn719fs)

Gene: COL4A1 (collagen type IV alpha 1 chain; minus strand). Cytogenetic location: 13q34.
Variant type: Duplication.
Coding change: c.2153_2154dup on transcript NM_001845.6 (MANE Select); coding-DNA positions 2153 to 2154, 2 bases duplicated (TT; older notation c.2153_2154dupTT).
Protein change: p.Asn719fs; shifts the reading frame from asparagine 719.
Molecular consequence: frameshift variant.
Genome position (GRCh38, 1-based): chr13:110,181,331-110,181,332, AA duplicated on the plus strand (TT on the coding strand, the reverse complement: COL4A1 is on the minus strand); duplicating any 2 consecutive bases within chr13:110,181,331-110,181,333 gives the same sequence; the c. name uses the placement nearest the transcript's 3' end. VCF-style (leftmost placement, unchanged base first): chr13-110181330-T-TAA. GRCh37 (hg19) VCF-style: chr13-110833677-T-TAA.
Other names: short protein forms N719fs.
Identifiers: ClinVar variation 1707545 (VCV001707545.1), dbSNP rs2501787937, ClinGen allele CA2580087112.

ClinVar aggregate classification (germline): Pathogenic (1 of 4 stars; one submission).

Conditions:
Brain small vessel disease 1 with or without ocular anomalies (BSVD1). Also called: PORENCEPHALY, TYPE 1, AUTOSOMAL DOMINANT; GOULD SYNDROME 1; BRAIN SMALL VESSEL DISEASE WITH HEMORRHAGE; Brain small vessel disease with or without ocular anomalies. Identifiers: Orphanet 2940, Orphanet 36383, Orphanet 99810, MedGen C4755307, MONDO:0008289, OMIM 175780.

Submission:

Institute of Human Genetics, University of Leipzig Medical Center
Classification: Pathogenic for Brain small vessel disease 1 with or without ocular anomalies. Last evaluated: 2022-09-22. Review status: criteria provided, single submitter. Criteria: ACMG Guidelines, 2015. Collection method: clinical testing. Allele origin: de novo. Affected: yes.
Comment: This variant was identified as de novo (maternity and paternity confirmed)._x000D_ Criteria applied: PVS1, PS2_SUP, PM2_SUP